The following is an entry in ClinVar:

ClinVar aggregate classification (germline): Uncertain significance. Review status: criteria provided, multiple submitters, no conflicts (2 of 4 stars). 2 submissions from 2 submitters: Uncertain significance (2). Last evaluated 2021-08-24.

Conditions:
Dyskeratosis congenita. Identifiers: Orphanet 1775, MedGen C0265965, MONDO:0015780.

Allele frequency attached by ClinVar (database versions not stated): ExAC 0.00001; gnomAD exomes 0.00001; TOPMed 0.00001.
gnomAD v4.1: 1 of 1,614,196 alleles (0.000062%); highest among the groups gnomAD compares: Non-Finnish European, 0.000085%; no homozygotes.

Submissions (2):

Labcorp Genetics (formerly Invitae), Labcorp
Classification: Uncertain significance for Dyskeratosis congenita. Last evaluated: 2021-08-24. Review status: criteria provided, single submitter. Criteria: Invitae Variant Classification Sherloc (09022015). Collection method: clinical testing. Allele origin: germline.
Comment: This sequence change replaces tryptophan with cysteine at codon 807 of the CTC1 protein (p.Trp807Cys). The tryptophan residue is highly conserved and there is a large physicochemical difference between tryptophan and cysteine. This variant is present in population databases (rs765221206, ExAC 0.001%). This variant has not been reported in the literature in individuals affected with CTC1-related conditions. Algorithms developed to predict the effect of missense changes on protein structure and function are either unavailable or do not agree on the potential impact of this missense change (SIFT: "Deleterious"; PolyPhen-2: "Probably Damaging"; Align-GVGD: "Class C0"). In summary, the available evidence is currently insufficient to determine the role of this variant in disease. Therefore, it has been classified as a Variant of Uncertain Significance.

Breakthrough Genomics
Classification: Uncertain significance. Review status: criteria provided, single submitter. Criteria: ACMG Guidelines, 2015. Collection method: not provided. Allele origin: germline. Inheritance: Autosomal recessive inheritance. Affected: yes.

NM_025099.6(CTC1):c.2421G>T (p.Trp807Cys)

Gene: CTC1 (CST telomere replication complex component 1; minus strand). Cytogenetic location: 17p13.1.
Variant type: single nucleotide variant.
Coding change: c.2421G>T on transcript NM_025099.6 (MANE Select); coding-DNA position 2421, G replaced by T.
Protein change: p.Trp807Cys; replaces tryptophan 807 with cysteine.
Molecular consequence: missense variant. On other transcripts: non-coding transcript variant (1).
Genome position (GRCh38, 1-based): chr17:8,231,780, C>A on the plus strand (G>T on the coding strand, the complement: CTC1 is on the minus strand). VCF-style: chr17-8231780-C-A. GRCh37 (hg19) VCF-style: chr17-8135098-C-A.
Other names: short protein forms W807C.
Identifiers: ClinVar variation 529177 (VCV000529177.6), dbSNP rs765221206, ClinGen allele CA8372085.